The following is an entry in ClinVar:

NM_153240.5(NPHP3):c.445G>A (p.Glu149Lys)

Genes: NPHP3 (nephrocystin 3; minus strand), NPHP3-ACAD11 (NPHP3-ACAD11 readthrough (NMD candidate); minus strand). Cytogenetic location: 3q22.1.
Variant type: single nucleotide variant.
Coding change: c.445G>A on transcript NM_153240.5 (MANE Select); coding-DNA position 445, G replaced by A.
Protein change: p.Glu149Lys; replaces glutamic acid 149 with lysine.
Molecular consequence: missense variant. On other transcripts: non-coding transcript variant (1).
Genome position (GRCh38, 1-based): chr3:132,719,779, C>T on the plus strand (G>A on the coding strand, the complement: NPHP3 is on the minus strand). VCF-style: chr3-132719779-C-T. GRCh37 (hg19) VCF-style: chr3-132438623-C-T.
Other names: short protein forms E149K.
Identifiers: ClinVar variation 835387 (VCV000835387.7), dbSNP rs1940155952, ClinGen allele CA354587996.

ClinVar aggregate classification (germline): Uncertain significance (1 of 4 stars; one submission).

Conditions:
Nephronophthisis. Also called: Juvenile Nephronophthisis. Identifiers: Orphanet 655, MedGen C0687120, MONDO:0019005, HP:0000090.

Submission:

Labcorp Genetics (formerly Invitae), Labcorp
Classification: Uncertain significance for Nephronophthisis. Last evaluated: 2021-08-24. Review status: criteria provided, single submitter. Criteria: Invitae Variant Classification Sherloc (09022015). Collection method: clinical testing. Allele origin: germline.
Comment: This sequence change replaces glutamic acid with lysine at codon 149 of the NPHP3 protein (p.Glu149Lys). The glutamic acid residue is highly conserved and there is a small physicochemical difference between glutamic acid and lysine. This variant is not present in population databases (ExAC no frequency). This variant has not been reported in the literature in individuals affected with NPHP3-related conditions. Algorithms developed to predict the effect of missense changes on protein structure and function are either unavailable or do not agree on the potential impact of this missense change (SIFT: "Deleterious"; PolyPhen-2: "Benign"; Align-GVGD: "Class C0"). In summary, the available evidence is currently insufficient to determine the role of this variant in disease. Therefore, it has been classified as a Variant of Uncertain Significance.